The following is an entry in ClinVar:

ClinVar aggregate classification (germline): Uncertain significance (1 of 4 stars; one submission).

Submission:

GeneDx
Classification: Uncertain significance. Last evaluated: 2025-04-03. Review status: criteria provided, single submitter. Criteria: GeneDx Variant Classification Process June 2021. Collection method: clinical testing. Allele origin: germline. Affected: yes.
Comment: Not observed at significant frequency in large population cohorts (gnomAD); In silico analysis indicates that this missense variant does not alter protein structure/function; Has not been previously published as pathogenic or benign to our knowledge; This variant is associated with the following publications: (PMID: 17531815, 21120944)

NM_000179.3(MSH6):c.1164C>A (p.His388Gln)

Gene: MSH6 (mutS homolog 6; plus strand). Cytogenetic location: 2p16.3.
Variant type: single nucleotide variant.
Coding change: c.1164C>A on transcript NM_000179.3 (MANE Select); coding-DNA position 1164, C replaced by A.
Protein change: p.His388Gln; replaces histidine 388 with glutamine.
Molecular consequence: missense variant. On other transcripts: non-coding transcript variant (4), intron variant (1).
Genome position (GRCh38, 1-based): chr2:47,799,147, C>A. VCF-style: chr2-47799147-C-A. GRCh37 (hg19) VCF-style: chr2-48026286-C-A.
Other names: c.774C>A, p.His258Gln (NM_001281492.2); c.258C>A, p.His86Gln (NM_001281493.2, NM_001281494.2, NM_001406811.1 and 6 more transcripts); c.1260C>A, p.His420Gln (NM_001406795.1, NM_001406802.1); c.1164C>A, p.His388Gln (NM_001406796.1, NM_001406798.1, NM_001406817.1 and 4 more transcripts); c.867C>A, p.His289Gln (NM_001406797.1, NM_001406818.1, NM_001406819.1 and 10 more transcripts); c.639C>A, p.His213Gln (NM_001406799.1, NM_001406806.1, NM_001406807.1); c.1170C>A, p.His390Gln (NM_001406813.1); c.628-1519C>A (NM_001407362.1); and 2 more; short protein forms H213Q, H258Q, H289Q, H332Q, H362Q, H388Q, H390Q, H420Q.
Identifiers: ClinVar variation 4278623 (VCV004278623.1).
Genomic context (GRCh38, chr2:47,799,147, plus strand): 5'-AACTTTAGAATGGCTTAAGGAGGAAAAGAGAAGAGATGAGCACAGGAGGAGGCCTGATCA[C>A]CCCGATTTTGATGCATCTACACTCTATGTGCCTGAGGATTTCCTCAATTCTTGTACTCCT-3'
Protein context (NP_000170.1, residues 378-398): RRDEHRRRPD[His388Gln]PDFDASTLYV